The following is an entry in ClinVar:

NM_022114.4(PRDM16):c.387+6C>T

Gene: PRDM16 (PR/SET domain 16; plus strand). Cytogenetic location: 1p36.32.
Variant type: single nucleotide variant.
Coding change: c.387+6C>T on transcript NM_022114.4 (MANE Select); 6 bases into the intron after coding-DNA position 387, C replaced by T.
Molecular consequence: intron variant.
Genome position (GRCh38, 1-based): chr1:3,186,480, C>T. VCF-style: chr1-3186480-C-T. GRCh37 (hg19) VCF-style: chr1-3103044-C-T.
Other names: p.?; c.387+6C>T (NM_199454.3).
Identifiers: ClinVar variation 227039 (VCV000227039.36), dbSNP rs369010644, ClinGen allele CA543758.

ClinVar aggregate classification (germline): Benign/Likely benign. Review status: criteria provided, multiple submitters, no conflicts (2 of 4 stars). 10 submissions from 10 submitters: Benign (6); Likely benign (2). 2 of the submissions do not count toward it. Last evaluated 2026-03-01.

Conditions:
Left ventricular noncompaction 8 (LVNC8). Identifiers: Orphanet 154, Orphanet 54260, MedGen C3809288, MONDO:0014152, OMIM 615373.

Allele frequency attached by ClinVar (database versions not stated): ExAC 0.00166; 1000 Genomes Project 0.00200; 1000 Genomes Project 30x 0.00234; ESP Exome Variant Server 0.00331; gnomAD 0.00373; TOPMed 0.00457.
gnomAD v4.1: 1,100 of 1,480,554 alleles (0.074%); highest among the groups gnomAD compares: African/African-American, 1.4%; 8 homozygotes.

Submissions (10):

CeGaT Center for Human Genetics Tuebingen
Classification: Likely benign. Last evaluated: 2026-03-01. Review status: criteria provided, single submitter. Criteria: CeGaT Center For Human Genetics Tuebingen Variant Classification Criteria Version 2. Collection method: clinical testing. Allele origin: germline. Affected: yes. Observed: 2 variant alleles.
Comment: PRDM16: BP4, BS1

Labcorp Genetics (formerly Invitae), Labcorp
Classification: Benign for Left ventricular noncompaction 8. Last evaluated: 2026-02-02. Review status: criteria provided, single submitter. Criteria: Invitae Variant Classification Sherloc (09022015). Collection method: clinical testing. Allele origin: germline.

ARUP Laboratories, Molecular Genetics and Genomics, ARUP Laboratories
Classification: Benign. Last evaluated: 2025-03-31. Review status: criteria provided, single submitter. Criteria: ARUP Molecular Germline Variant Investigation Process 2024. Collection method: clinical testing. Allele origin: germline.

Blueprint Genetics
Classification: Likely benign. Last evaluated: 2024-11-11. Review status: criteria provided, single submitter. Criteria: ACMG Guidelines, 2015. Collection method: clinical testing. Allele origin: germline.

Mayo Clinic Laboratories, Mayo Clinic
Classification: Benign. Last evaluated: 2024-04-30. Review status: criteria provided, single submitter. Criteria: ACMG Guidelines, 2015. Collection method: clinical testing. Allele origin: germline. Observed: 2 variant alleles.
Comment: BS1, BS2, BP4, BP7

Women's Health and Genetics/Laboratory Corporation of America, LabCorp
Classification: Benign. Last evaluated: 2023-08-19. Review status: criteria provided, single submitter. Criteria: LabCorp Variant Classification Summary - May 2015. Collection method: clinical testing. Allele origin: germline.

GeneDx
Classification: Benign. Last evaluated: 2017-01-18. Review status: criteria provided, single submitter. Criteria: GeneDx Variant Classification (06012015). Collection method: clinical testing. Allele origin: germline. Affected: yes.
Comment: This variant is considered likely benign or benign based on one or more of the following criteria: it is a conservative change, it occurs at a poorly conserved position in the protein, it is predicted to be benign by multiple in silico algorithms, and/or has population frequency not consistent with disease.

Laboratory for Molecular Medicine, Mass General Brigham Personalized Medicine
Classification: Benign. Last evaluated: 2015-06-10. Review status: criteria provided, single submitter. Criteria: LMM Criteria. Collection method: clinical testing. Allele origin: germline. Observed: 2 variant alleles.
Comment: c.387+6C>T in intron 2 of PRDM16: This variant is not expected to have clinical significance because it has been identified in 1.9% (104/5612) of African chromo somes by the Exome Aggregation Consortium (ExAC; dbSNP rs369010644).

Clinical Genetics, Academic Medical Center
Classification: Benign. Review status: no assertion criteria provided. Collection method: clinical testing. Allele origin: germline. Affected: yes. Study: VKGL Data-share Consensus. Not counted in ClinVar's aggregate classification.

Joint Genome Diagnostic Labs from Nijmegen and Maastricht, Radboudumc and MUMC+
Classification: Benign. Review status: no assertion criteria provided. Collection method: clinical testing. Allele origin: germline. Affected: yes. Study: VKGL Data-share Consensus. Not counted in ClinVar's aggregate classification.